The following is an entry in ClinVar:

ClinVar aggregate classification (germline): Uncertain significance (1 of 4 stars; one submission).

Conditions:
Spastic paraplegia. Identifiers: MedGen C0037772, HP:0001258.

Allele frequency attached by ClinVar (database versions not stated): gnomAD exomes 0.00001.
gnomAD v4.1: 3 of 1,614,150 alleles (0.00019%); highest among the groups gnomAD compares: East Asian, 0.0067%; no homozygotes.

Submission:

Labcorp Genetics (formerly Invitae), Labcorp
Classification: Uncertain significance for Spastic paraplegia. Last evaluated: 2024-03-21. Review status: criteria provided, single submitter. Criteria: Invitae Variant Classification Sherloc (09022015). Collection method: clinical testing. Allele origin: germline.
Comment: This sequence change replaces aspartic acid, which is acidic and polar, with glutamic acid, which is acidic and polar, at codon 557 of the KIF5A protein (p.Asp557Glu). This variant is not present in population databases (gnomAD no frequency). This variant has not been reported in the literature in individuals affected with KIF5A-related conditions. ClinVar contains an entry for this variant (Variation ID: 1430100). Advanced modeling of protein sequence and biophysical properties (such as structural, functional, and spatial information, amino acid conservation, physicochemical variation, residue mobility, and thermodynamic stability) has been performed at Invitae for this missense variant, however the output from this modeling did not meet the statistical confidence thresholds required to predict the impact of this variant on KIF5A protein function. In summary, the available evidence is currently insufficient to determine the role of this variant in disease. Therefore, it has been classified as a Variant of Uncertain Significance.

NM_004984.4(KIF5A):c.1671T>A (p.Asp557Glu)

Gene: KIF5A (kinesin family member 5A; plus strand). Cytogenetic location: 12q13.3.
Variant type: single nucleotide variant.
Coding change: c.1671T>A on transcript NM_004984.4 (MANE Select); coding-DNA position 1671, T replaced by A.
Protein change: p.Asp557Glu; replaces aspartic acid 557 with glutamic acid.
Molecular consequence: missense variant.
Genome position (GRCh38, 1-based): chr12:57,572,681, T>A. VCF-style: chr12-57572681-T-A. GRCh37 (hg19) VCF-style: chr12-57966464-T-A.
Other names: c.1404T>A, p.Asp468Glu (NM_001354705.2); short protein forms D468E, D557E.
Identifiers: ClinVar variation 1430100 (VCV001430100.8), dbSNP rs1594919820, ClinGen allele CA385508018.
Genomic context (GRCh38, chr12:57,572,681, plus strand): 5'-GGAGGTCAGTGGACACCAGCGAAAACGAATTGCTGAGGTGCTGAACGGGCTGATGAAGGA[T>A]CTGAGCGAGTTCAGTGTCATTGTGGGCAACGGGGAGATTAAGCTGGTGAGTGGTGAGAGA-3'
Protein context (NP_004975.2, residues 547-567): IAEVLNGLMK[Asp557Glu]LSEFSVIVGN